The following is an entry in ClinVar:

NM_001165963.4(SCN1A):c.982G>A (p.Glu328Lys)

Gene: SCN1A (sodium voltage-gated channel alpha subunit 1; minus strand). Cytogenetic location: 2q24.3.
Variant type: single nucleotide variant.
Coding change: c.982G>A on transcript NM_001165963.4 (MANE Select); coding-DNA position 982, G replaced by A.
Protein change: p.Glu328Lys; replaces glutamic acid 328 with lysine.
Molecular consequence: missense variant. On other transcripts: 5 prime UTR variant (1), non-coding transcript variant (1).
Genome position (GRCh38, 1-based): chr2:166,048,932, C>T on the plus strand (G>A on the coding strand, the complement: SCN1A is on the minus strand). VCF-style: chr2-166048932-C-T. GRCh37 (hg19) VCF-style: chr2-166905442-C-T.
Other names: c.982G>A, p.Glu328Lys (NM_001165964.3, NM_001202435.3, NM_001353948.2 and 10 more transcripts); c.-1444G>A (NM_001353961.2); short protein forms E328K.
Identifiers: ClinVar variation 2501910 (VCV002501910.2), dbSNP rs1553548181, ClinGen allele CA349071723.
Genomic context (GRCh38, chr2:166,048,932, plus strand): 5'-AATTATTGACTTACCCTGCATCAGAGCTATTTCCACATAGTAGTGCATCTAAAAAACCCT[C>T]CAGGAAATAATGATATCCTGTTTGAAAAAAGAAAGTCGTATGATGAACATTTGCATTGTT-3'
Protein context (NP_001159435.1, residues 318-338): IQDSRYHYFL[Glu328Lys]GFLDALLCGN

ClinVar aggregate classification (germline): Uncertain significance (1 of 4 stars; one submission).

Allele frequency attached by ClinVar (database versions not stated): gnomAD exomes below 0.00001.
gnomAD v4.1: 1 of 1,604,470 alleles (0.000062%); highest among the groups gnomAD compares: Non-Finnish European, 0.000085%; no homozygotes.

Submission:

GeneDx
Classification: Uncertain significance. Last evaluated: 2026-03-17. Review status: criteria provided, single submitter. Criteria: GeneDx Variant Classification Process June 2021. Collection method: clinical testing. Allele origin: germline.
Comment: Not observed at significant frequency in large population cohorts (gnomAD); This substitution is predicted to be within the extracellular loop between the S5 and S6 transmembrane segments of the first homologous domain; In silico analysis suggests that this missense variant does not alter protein structure/function; Has not been previously published as pathogenic or benign to our knowledge